The following is an entry in ClinVar:

ClinVar aggregate classification (germline): Pathogenic (1 of 4 stars; one submission).

Conditions:
Desbuquois dysplasia 1 (DBQD1). Also called: DESBUQUOIS DYSPLASIA 1, KIM VARIANT; MICROMELIC DWARFISM WITH VERTEBRAL AND METAPHYSEAL ABNORMALITIES AND ADVANCED CARPOTARSAL OSSIFICATION. Identifiers: Orphanet 1425, MedGen C4012146, MONDO:0009629, OMIM 251450.

Submission:

Labcorp Genetics (formerly Invitae), Labcorp
Classification: Pathogenic for Desbuquois dysplasia 1. Last evaluated: 2024-06-22. Review status: criteria provided, single submitter. Criteria: Invitae Variant Classification Sherloc (09022015). Collection method: clinical testing. Allele origin: germline.
Comment: This sequence change creates a premature translational stop signal (p.Asp543Glufs*62) in the XYLT1 gene. It is expected to result in an absent or disrupted protein product. Loss-of-function variants in XYLT1 are known to be pathogenic (PMID: 24581741, 26601923). This variant is not present in population databases (gnomAD no frequency). This variant has not been reported in the literature in individuals affected with XYLT1-related conditions. For these reasons, this variant has been classified as Pathogenic.

Literature cited by the submitters: PubMed 24581741; PubMed 26601923.

NM_022166.4(XYLT1):c.1629del (p.Asp543fs)

Genes: XYLT1 (xylosyltransferase 1; minus strand), LOC102723692 (uncharacterized LOC102723692; plus strand). Cytogenetic location: 16p12.3.
Variant type: Deletion.
Coding change: c.1629del on transcript NM_022166.4 (MANE Select); coding-DNA position 1629, one base deleted (C; older notation c.1629delC).
Protein change: p.Asp543fs; shifts the reading frame from aspartic acid 543.
Molecular consequence: frameshift variant. On other transcripts: non-coding transcript variant (1).
Genome position (GRCh38, 1-based): chr16:17,138,490, G deleted on the plus strand (C on the coding strand, the reverse complement: XYLT1 is on the minus strand). VCF-style (leftmost placement, unchanged base first): chr16-17138489-TG-T. GRCh37 (hg19) VCF-style: chr16-17232346-TG-T.
Other names: short protein forms D543fs.
Identifiers: ClinVar variation 3657470 (VCV003657470.2).
Genomic context (GRCh38, chr16:17,138,489, plus strand): 5'-GGCACTTGCAGCCCAGCTTGCGATTCCAGTTGGTGATGCGCAGGTTGTTGTCCACCATGG[TG>T]TCGCAGTGGGGGCTGTTCTCCAGGACCGTATGGAAGAAGGACTGCAGGGGAGAGAGGGAC-3'